The following is an entry in ClinVar:

ClinVar aggregate classification (germline): Uncertain significance. Review status: criteria provided, multiple submitters, no conflicts (2 of 4 stars). 2 submissions from 2 submitters: Uncertain significance (2). Last evaluated 2025-02-21.

Conditions:
Cardiovascular phenotype. Identifiers: MedGen CN230736.
Hereditary cancer-predisposing syndrome. Also called: Tumor predisposition; Hereditary neoplastic syndrome; Neoplastic Syndromes, Hereditary; Hereditary Cancer Syndrome. Identifiers: Orphanet 140162, MedGen C0027672, MeSH D009386, MONDO:0015356.
Neurofibromatosis, type 1 (NF1). Also called: VON RECKLINGHAUSEN DISEASE; Peripheral type neurofibromatosis; Neurofibromatosis, type I; NEUROFIBROMATOSIS, TYPE I, SOMATIC. Identifiers: Orphanet 636, MedGen C0027831, MONDO:0018975, OMIM 162200. Disease mechanism: loss of function.

Submissions (2):

Ambry Genetics
Classification: Uncertain significance for Cardiovascular phenotype; Hereditary cancer-predisposing syndrome. Last evaluated: 2025-02-21. Review status: criteria provided, single submitter. Criteria: Ambry Variant Classification Scheme 2023. Collection method: clinical testing. Allele origin: germline.
Comment: The p.A2416D variant (also known as c.7247C>A), located in coding exon 48 of the NF1 gene, results from a C to A substitution at nucleotide position 7247. The alanine at codon 2416 is replaced by aspartic acid, an amino acid with dissimilar properties. This amino acid position is conserved. In addition, the in silico prediction for this alteration is inconclusive. Based on the available evidence, the clinical significance of this variant remains unclear.

Centre for Mendelian Genomics, University Medical Centre Ljubljana
Classification: Uncertain significance for Neurofibromatosis, type 1. Last evaluated: 2020-03-10. Review status: criteria provided, single submitter. Criteria: ACMG Guidelines, 2015. Collection method: clinical testing. Allele origin: unknown. Affected: yes.
Comment: This variant was classified as: Uncertain significance. The available evidence favors the pathogenic nature of this variant, however the currently available data is insufficient to conclusively support its pathogenic nature. Thus this variant is classified as Uncertain significance - favor pathogenic. The following ACMG criteria were applied in classifying this variant: PM2,PP3,PP4.

NM_001042492.3(NF1):c.7310C>A (p.Ala2437Asp)

Gene: NF1 (neurofibromin 1; plus strand). Cytogenetic location: 17q11.2.
Variant type: single nucleotide variant.
Coding change: c.7310C>A on transcript NM_001042492.3 (MANE Select); coding-DNA position 7310, C replaced by A.
Protein change: p.Ala2437Asp; replaces alanine 2437 with aspartic acid.
Molecular consequence: missense variant.
Genome position (GRCh38, 1-based): chr17:31,349,240, C>A. VCF-style: chr17-31349240-C-A. GRCh37 (hg19) VCF-style: chr17-29676258-C-A.
Other names: c.7247C>A, p.Ala2416Asp (NM_000267.4); short protein forms A2416D, A2437D.
Identifiers: ClinVar variation 931870 (VCV000931870.4), dbSNP rs2070078591, ClinGen allele CA399016907.